The following is an entry in ClinVar:

ClinVar aggregate classification (germline): Uncertain significance (1 of 4 stars; one submission).

gnomAD v4.1: 2 of 1,614,150 alleles (0.00012%); highest among the groups gnomAD compares: Non-Finnish European, 0.00017%; no homozygotes.

Submission:

GeneDx
Classification: Uncertain significance. Last evaluated: 2026-03-21. Review status: criteria provided, single submitter. Criteria: GeneDx Variant Classification Process June 2021. Collection method: clinical testing. Allele origin: germline.
Comment: Not observed at significant frequency in large population cohorts (gnomAD); In silico analysis supports that this missense variant has a deleterious effect on protein structure/function; Has not been previously published as pathogenic or benign to our knowledge; This variant is associated with the following publications: (PMID: 18184292)

NM_000702.4(ATP1A2):c.2009T>C (p.Met670Thr)

Gene: ATP1A2 (ATPase Na+/K+ transporting subunit alpha 2; plus strand). Cytogenetic location: 1q23.2.
Variant type: single nucleotide variant.
Coding change: c.2009T>C on transcript NM_000702.4 (MANE Select); coding-DNA position 2009, T replaced by C.
Protein change: p.Met670Thr; replaces methionine 670 with threonine.
Molecular consequence: missense variant.
Genome position (GRCh38, 1-based): chr1:160,135,189, T>C. VCF-style: chr1-160135189-T-C. GRCh37 (hg19) VCF-style: chr1-160104979-T-C.
Other names: short protein forms M670T.
Identifiers: ClinVar variation 5009560 (VCV005009560.1).